The following is an entry in ClinVar:

NM_003179.3(SYP):c.902G>A (p.Gly301Asp)

Gene: SYP (synaptophysin; minus strand). Cytogenetic location: Xp11.23.
Variant type: single nucleotide variant.
Coding change: c.902G>A on transcript NM_003179.3 (MANE Select); coding-DNA position 902, G replaced by A.
Protein change: p.Gly301Asp; replaces glycine 301 with aspartic acid.
Molecular consequence: missense variant.
Genome position (GRCh38, 1-based): chrX:49,191,477, C>T on the plus strand (G>A on the coding strand, the complement: SYP is on the minus strand). VCF-style: chrX-49191477-C-T. GRCh37 (hg19) VCF-style: chrX-49047934-C-T.
Other names: short protein forms G301D.
Identifiers: ClinVar variation 1698307 (VCV001698307.2), dbSNP rs373273506, ClinGen allele CA329130641.

ClinVar aggregate classification (germline): Uncertain significance (1 of 4 stars; one submission).

Allele frequency attached by ClinVar (database versions not stated): TOPMed 0.00002; gnomAD 0.00004; ESP Exome Variant Server 0.00009.

Submission:

GeneDx
Classification: Uncertain significance. Last evaluated: 2022-01-21. Review status: criteria provided, single submitter. Criteria: GeneDx Variant Classification Process June 2021. Collection method: clinical testing. Allele origin: germline. Affected: yes.
Comment: Not observed at significant frequency in large population cohorts (gnomAD); In silico analysis supports that this missense variant does not alter protein structure/function; Has not been previously published as pathogenic or benign to our knowledge